The following is an entry in ClinVar:

NM_152640.5(DCP1B):c.93C>A (p.Ile31=)

Genes: CACNA1C (calcium voltage-gated channel subunit alpha1 C; plus strand), DCP1B (decapping mRNA 1B; minus strand). Cytogenetic location: 12p13.33.
Variant type: single nucleotide variant.
Coding change: c.93C>A on transcript NM_152640.5 (MANE Select); coding-DNA position 93, C replaced by A.
Protein change: p.Ile31=; no amino-acid change (isoleucine 31 retained).
Molecular consequence: synonymous variant. On other transcripts: non-coding transcript variant (1).
Genome position (GRCh38, 1-based): chr12:2,004,339, G>T on the plus strand (C>A on the coding strand, the complement: DCP1B is on the minus strand). VCF-style: chr12-2004339-G-T. GRCh37 (hg19) VCF-style: chr12-2113505-G-T.
Other names: c.93C>A, p.Ile31= (NM_001319292.2).
Identifiers: ClinVar variation 3341601 (VCV003341601.16).

ClinVar aggregate classification (germline): Likely benign (1 of 4 stars; one submission).

gnomAD v4.1: 1,110 of 1,613,378 alleles (0.069%); highest among the groups gnomAD compares: Non-Finnish European, 0.079%; 2 homozygotes.

Submission:

CeGaT Center for Human Genetics Tuebingen
Classification: Likely benign. Last evaluated: 2026-07-01. Review status: criteria provided, single submitter. Criteria: CeGaT Center For Human Genetics Tuebingen Variant Classification Criteria Version 2. Collection method: clinical testing. Allele origin: germline. Affected: yes. Observed: 10 variant alleles.
Comment: DCP1B: BP4, BP7